The following is an entry in ClinVar:

ClinVar aggregate classification (germline): Pathogenic (1 of 4 stars; one submission).

Submission:

Labcorp Genetics (formerly Invitae), Labcorp
Classification: Pathogenic. Last evaluated: 2025-10-10. Review status: criteria provided, single submitter. Criteria: Invitae Variant Classification Sherloc (09022015). Collection method: clinical testing. Allele origin: germline.
Comment: This sequence change creates a premature translational stop signal (p.Ser59Profs*5) in the CFAP410 gene. It is expected to result in an absent or disrupted protein product. Loss-of-function variants in CFAP410 are known to be pathogenic (PMID: 23105016, 26167768). This variant is not present in population databases (gnomAD no frequency). This variant has not been reported in the literature in individuals affected with CFAP410-related conditions. For these reasons, this variant has been classified as Pathogenic.

Literature cited by the submitters: PubMed 23105016; PubMed 26167768.

NM_004928.3(CFAP410):c.171_178del (p.Ser59fs)

Gene: CFAP410 (cilia and flagella associated protein 410; minus strand). Cytogenetic location: 21q22.3.
Variant type: Deletion.
Coding change: c.171_178del on transcript NM_004928.3 (MANE Select); coding-DNA positions 171 to 178, 8 bases deleted (TGTGAGCC; older notation c.171_178delTGTGAGCC).
Protein change: p.Ser59fs; shifts the reading frame from serine 59.
Molecular consequence: frameshift variant.
Genome position (GRCh38, 1-based): chr21:44,333,228-44,333,235, GGCTCACA deleted on the plus strand (TGTGAGCC on the coding strand, the reverse complement: CFAP410 is on the minus strand); deleting any 8 consecutive bases within chr21:44,333,228-44,333,240 gives the same sequence; the c. name uses the placement nearest the transcript's 3' end. VCF-style (leftmost placement, unchanged base first): chr21-44333227-CGGCTCACA-C. GRCh37 (hg19) VCF-style: chr21-45753110-CGGCTCACA-C.
Other names: c.171_178del, p.Ser59fs (NM_001271440.2, NM_001271441.2); c.48_55del, p.Ser18fs (NM_001271442.1); short protein forms S18fs, S59fs.
Identifiers: ClinVar variation 4710232 (VCV004710232.1).